The following is an entry in ClinVar:

NM_001024630.4(RUNX2):c.190_213del (p.Gln64_Gln71del)

Genes: RUNX2 (RUNX family transcription factor 2; plus strand), LOC109611589 (runt related transcription factor 2 polyalanine expansion region; plus strand). Cytogenetic location: 6p21.1.
Variant type: Deletion.
Coding change: c.190_213del on transcript NM_001024630.4 (MANE Select); coding-DNA positions 190 to 213, 24 bases deleted (CAGCAACAGCAGCAGCAGCAGCAG).
Protein change: p.Gln64_Gln71del.
Molecular consequence: inframe deletion.
Genome position (GRCh38, 1-based): chr6:45,422,724-45,422,747, CAGCAACAGCAGCAGCAGCAGCAG deleted; deleting any 24 consecutive bases within chr6:45,422,709-45,422,747 gives the same sequence; the c. name uses the placement nearest the transcript's 3' end. VCF-style (leftmost placement, unchanged base first): chr6-45422708-ACAGCAGCAGCAGCAGCAGCAACAG-A. GRCh37 (hg19) VCF-style: chr6-45390445-ACAGCAGCAGCAGCAGCAGCAACAG-A.
Other names: c.190_213del, p.Gln64_Gln71del (NM_001015051.4); c.148_171del, p.Gln50_Gln57del (NM_001278478.2, NM_001369405.1).
Identifiers: ClinVar variation 1392475 (VCV001392475.8), dbSNP rs765421673, ClinGen allele CA1088530026.

ClinVar aggregate classification (germline): Uncertain significance (1 of 4 stars; one submission).

Submission:

Labcorp Genetics (formerly Invitae), Labcorp
Classification: Uncertain significance. Last evaluated: 2023-06-19. Review status: criteria provided, single submitter. Criteria: Invitae Variant Classification Sherloc (09022015). Collection method: clinical testing. Allele origin: germline.
Comment: In summary, the available evidence is currently insufficient to determine the role of this variant in disease. Therefore, it has been classified as a Variant of Uncertain Significance. Experimental studies and prediction algorithms are not available or were not evaluated, and the functional significance of this variant is currently unknown. ClinVar contains an entry for this variant (Variation ID: 1392475). This variant has not been reported in the literature in individuals affected with RUNX2-related conditions. This variant is not present in population databases (gnomAD no frequency). This variant, c.190_213del, results in the deletion of 8 amino acid(s) of the RUNX2 protein (p.Gln64_Gln71del), but otherwise preserves the integrity of the reading frame.